The following is an entry in ClinVar:

ClinVar aggregate classification (germline): Uncertain significance (1 of 4 stars; one submission).

Conditions:
Spastic paraplegia. Identifiers: MedGen C0037772, HP:0001258.

Submission:

Labcorp Genetics (formerly Invitae), Labcorp
Classification: Uncertain significance for Spastic paraplegia. Last evaluated: 2024-02-23. Review status: criteria provided, single submitter. Criteria: Invitae Variant Classification Sherloc (09022015). Collection method: clinical testing. Allele origin: germline.
Comment: This sequence change replaces arginine, which is basic and polar, with glycine, which is neutral and non-polar, at codon 392 of the ZFYVE26 protein (p.Arg392Gly). This variant is not present in population databases (gnomAD no frequency). This variant has not been reported in the literature in individuals affected with ZFYVE26-related conditions. ClinVar contains an entry for this variant (Variation ID: 1362738). Algorithms developed to predict the effect of missense changes on protein structure and function output the following: SIFT: "Not Available"; PolyPhen-2: "Benign"; Align-GVGD: "Not Available". The glycine amino acid residue is found in multiple mammalian species, which suggests that this missense change does not adversely affect protein function. In summary, the available evidence is currently insufficient to determine the role of this variant in disease. Therefore, it has been classified as a Variant of Uncertain Significance.

NM_015346.4(ZFYVE26):c.1174A>G (p.Arg392Gly)

Gene: ZFYVE26 (zinc finger FYVE-type containing 26; minus strand). Cytogenetic location: 14q24.1.
Variant type: single nucleotide variant.
Coding change: c.1174A>G on transcript NM_015346.4 (MANE Select); coding-DNA position 1174, A replaced by G.
Protein change: p.Arg392Gly; replaces arginine 392 with glycine.
Molecular consequence: missense variant.
Genome position (GRCh38, 1-based): chr14:67,805,462, T>C on the plus strand (A>G on the coding strand, the complement: ZFYVE26 is on the minus strand). VCF-style: chr14-67805462-T-C. GRCh37 (hg19) VCF-style: chr14-68272179-T-C.
Other names: short protein forms R392G.
Identifiers: ClinVar variation 1362738 (VCV001362738.8), dbSNP rs1269973441, ClinGen allele CA390177249.
Genomic context (GRCh38, chr14:67,805,462, plus strand): 5'-AGCCCCACGTCTCTCACTTCCAGAGCAGCCTGGGATGCTGAGTGAGAGTTACCTGGGTCC[T>C]GTGCAGGGTCTGGAGCAGCCTCTTGGCTGACTCTAGGCTCTGGCAGTGTGTCCAGCCCAG-3'
Protein context (NP_056161.2, residues 382-402): SAKRLLQTLH[Arg392Gly]TQGPGCDELL